The following is an entry in ClinVar:

NM_174916.3(UBR1):c.840G>T (p.Gln280His)

Gene: UBR1 (ubiquitin protein ligase E3 component n-recognin 1; minus strand). Cytogenetic location: 15q15.2.
Variant type: single nucleotide variant.
Coding change: c.840G>T on transcript NM_174916.3 (MANE Select); coding-DNA position 840, G replaced by T.
Protein change: p.Gln280His; replaces glutamine 280 with histidine.
Molecular consequence: missense variant.
Genome position (GRCh38, 1-based): chr15:43,060,073, C>A on the plus strand (G>T on the coding strand, the complement: UBR1 is on the minus strand). VCF-style: chr15-43060073-C-A. GRCh37 (hg19) VCF-style: chr15-43352271-C-A.
Other names: short protein forms Q280H.
Identifiers: ClinVar variation 4741693 (VCV004741693.1).

ClinVar aggregate classification (germline): Uncertain significance (1 of 4 stars; one submission).

gnomAD v4.1: 1 of 1,614,060 alleles (0.000062%); highest among the groups gnomAD compares: Non-Finnish European, 0.000085%; no homozygotes.

Submission:

Labcorp Genetics (formerly Invitae), Labcorp
Classification: Uncertain significance. Last evaluated: 2025-10-02. Review status: criteria provided, single submitter. Criteria: Invitae Variant Classification Sherloc (09022015). Collection method: clinical testing. Allele origin: germline.
Comment: This sequence change replaces glutamine, which is neutral and polar, with histidine, which is basic and polar, at codon 280 of the UBR1 protein (p.Gln280His). This variant is not present in population databases (gnomAD no frequency). This variant has not been reported in the literature in individuals affected with UBR1-related conditions. Invitae Evidence Modeling of protein sequence and biophysical properties (such as structural, functional, and spatial information, amino acid conservation, physicochemical variation, residue mobility, and thermodynamic stability) has been performed for this missense variant. However, the output from this modeling did not meet the statistical confidence thresholds required to predict the impact of this variant on UBR1 protein function. In summary, the available evidence is currently insufficient to determine the role of this variant in disease. Therefore, it has been classified as a Variant of Uncertain Significance.